The following is an entry in ClinVar:

NC_000023.10:g.(?_32328179)_(32328413_?)dup

Gene: DMD (dystrophin; minus strand). Cytogenetic location: Xp21.1.
Variant type: Duplication.
Identifiers: ClinVar variation 649630 (VCV000649630.2).

ClinVar aggregate classification (germline): Uncertain significance (1 of 4 stars; one submission).

Conditions:
Duchenne muscular dystrophy (DMD). Also called: MUSCULAR DYSTROPHY, PSEUDOHYPERTROPHIC PROGRESSIVE, DUCHENNE TYPE; Duchenne Muscular Dystrophy (DMD). Identifiers: Orphanet 98896, MedGen C0013264, MONDO:0010679, OMIM 310200.

Submission:

Labcorp Genetics (formerly Invitae), Labcorp
Classification: Uncertain significance for Duchenne muscular dystrophy. Last evaluated: 2022-09-23. Review status: criteria provided, single submitter. Criteria: Invitae Variant Classification Sherloc (09022015). Collection method: clinical testing. Allele origin: germline.
Comment: This variant results in a copy number gain of the genomic region encompassing exon(s) 42 of the DMD gene. While the exact position of this variant cannot be determined from the data, sub-genic copy number gains are generally in tandem (PMID: 25640679). This variant is predicted to be in-frame, and likely preserves the integrity of the reading frame. This variant has not been reported in the literature in individuals affected with DMD-related conditions. In summary, the available evidence is currently insufficient to determine the role of this variant in disease. Therefore, it has been classified as a Variant of Uncertain Significance.

Literature cited by the submitters: PubMed 25640679.